The following is an entry in ClinVar:

ClinVar aggregate classification (germline): Uncertain significance (1 of 4 stars; one submission).

Submission:

Dasa
Classification: Uncertain significance. Last evaluated: 2025-09-10. Review status: criteria provided, single submitter. Criteria: DASA Assertion Criteria. Collection method: clinical testing. Allele origin: germline.
Comment: NM_004343.4(CALR):c.580G>A (p.Gly194Ser) is a missense variant that results in the substitution of glycine with serine. This variant is rare in population databases. Computational prediction algorithms are consistent with a deleterious effect. The currently available literature and clinical evidence are not sufficient to establish a definitive association between this variant and the reported condition. Therefore, this variant is classified as a variant of uncertain significance.

NM_004343.4(CALR):c.580G>A (p.Gly194Ser)

Genes: CALR (calreticulin; plus strand), LOC126862861 (MED14-independent group 3 enhancer GRCh37_chr19:13050707-13051906; plus strand). Cytogenetic location: 19p13.13.
Variant type: single nucleotide variant.
Coding change: c.580G>A on transcript NM_004343.4 (MANE Select); coding-DNA position 580, G replaced by A.
Protein change: p.Gly194Ser; replaces glycine 194 with serine.
Molecular consequence: missense variant.
Genome position (GRCh38, 1-based): chr19:12,940,330, G>A. VCF-style: chr19-12940330-G-A. GRCh37 (hg19) VCF-style: chr19-13051144-G-A.
Other names: short protein forms G194S.
Identifiers: ClinVar variation 4886114 (VCV004886114.2).